The following is an entry in ClinVar:

NM_001009944.3(PKD1):c.7117T>G (p.Cys2373Gly)

Gene: PKD1 (polycystin 1, transient receptor potential channel interacting; minus strand). Cytogenetic location: 16p13.3.
Variant type: single nucleotide variant.
Coding change: c.7117T>G on transcript NM_001009944.3 (MANE Select); coding-DNA position 7117, T replaced by G.
Protein change: p.Cys2373Gly; replaces cysteine 2373 with glycine.
Molecular consequence: missense variant.
Genome position (GRCh38, 1-based): chr16:2,106,897, A>C on the plus strand (T>G on the coding strand, the complement: PKD1 is on the minus strand). VCF-style: chr16-2106897-A-C. GRCh37 (hg19) VCF-style: chr16-2156898-A-C.
Other names: c.7117T>G, p.Cys2373Gly (NM_000296.4); short protein forms C2373G.
Identifiers: ClinVar variation 2572777 (VCV002572777.2), dbSNP rs2544784961, ClinGen allele CA394372015.

ClinVar aggregate classification (germline): Uncertain significance. Review status: criteria provided, multiple submitters, no conflicts (2 of 4 stars). 2 submissions from 2 submitters: Uncertain significance (2). Last evaluated 2026-05-26.

Submissions (2):

Women's Health and Genetics/Laboratory Corporation of America, LabCorp
Classification: Uncertain significance. Last evaluated: 2026-05-26. Review status: criteria provided, single submitter. Criteria: LabCorp Variant Classification Summary - May 2015. Collection method: clinical testing. Allele origin: germline.
Comment: Variant summary: PKD1 c.7117T>G (p.Cys2373Gly) results in a non-conservative amino acid change in the encoded protein sequence. Algorithms developed to predict the effect of missense changes on protein structure and function all suggest that this variant is likely to be disruptive. The variant was absent in 219324 control chromosomes. The available data on variant occurrences in the general population are insufficient to allow any conclusion about variant significance. To our knowledge, no occurrence of c.7117T>G in individuals affected with PKD1-related conditions and no experimental evidence demonstrating its impact on protein function have been reported. A different variant affecting the same codon has been classified as likely pathogenic by our lab (c.7118G>A/p.Cys2373Tyr), supporting the critical relevance of codon 2373 to PKD1 protein function. ClinVar contains an entry for this variant (Variation ID: 2572777). Based on the evidence outlined above, the variant was classified as uncertain significance.

GeneDx
Classification: Uncertain significance. Last evaluated: 2023-01-11. Review status: criteria provided, single submitter. Criteria: GeneDx Variant Classification Process June 2021. Collection method: clinical testing. Allele origin: germline. Affected: yes.
Comment: Not observed at significant frequency in large population cohorts (gnomAD); In silico analysis supports that this missense variant has a deleterious effect on protein structure/function; Has not been previously published as pathogenic or benign to our knowledge